The following is an entry in ClinVar:

NM_000179.3(MSH6):c.4082_*3dup (p.Ter1361=)

Gene: MSH6 (mutS homolog 6; plus strand). Cytogenetic location: 2p16.3.
Variant type: Duplication.
Coding change: c.4082_*3dup on transcript NM_000179.3 (MANE Select); coding-DNA position 4082 through 3 bases downstream of the stop codon, 5 bases duplicated (AGACT; older notation c.4082_*3dupAGACT).
Protein change: p.Ter1361=.
Molecular consequence: no sequence alteration.
Genome position (GRCh38, 1-based): chr2:47,806,859-47,806,863, AGACT duplicated; duplicating any 5 consecutive bases within chr2:47,806,858-47,806,863 gives the same sequence; the c. name uses the placement nearest the transcript's 3' end. VCF-style (leftmost placement, unchanged base first): chr2-47806857-A-ATAGAC. GRCh37 (hg19) VCF-style: chr2-48033996-A-ATAGAC.
Other names: c.3692_*3dup, p.Ter1231= (NM_001281492.2); c.3176_*3dup, p.Ter1059= (NM_001281493.2, NM_001281494.2).
Identifiers: ClinVar variation 801225 (VCV000801225.7), dbSNP rs1572750549, ClinGen allele CA913188084.

ClinVar aggregate classification (germline): Conflicting classifications of pathogenicity. Review status: criteria provided, conflicting classifications (1 of 4 stars). 4 submissions from 4 submitters: Uncertain significance (3); Benign (1). Last evaluated 2025-06-18.

Conditions:
Hereditary cancer-predisposing syndrome. Also called: Tumor predisposition; Neoplastic Syndromes, Hereditary; Hereditary Cancer Syndrome; Hereditary neoplastic syndrome. Identifiers: Orphanet 140162, MedGen C0027672, MeSH D009386, MONDO:0015356.
Lynch syndrome 5 (LYNCH5). Also called: Hereditary non-polyposis colorectal cancer, type 5; Colorectal cancer, hereditary nonpolyposis, type 5. Identifiers: Orphanet 144, MedGen C1833477, MONDO:0013710, OMIM 614350. Disease mechanism: loss of function.
Hereditary nonpolyposis colorectal neoplasms. Identifiers: MedGen C0009405, MeSH D003123.

Submissions (4):

Labcorp Genetics (formerly Invitae), Labcorp
Classification: Uncertain significance for Hereditary nonpolyposis colorectal neoplasms. Last evaluated: 2025-06-18. Review status: criteria provided, single submitter. Criteria: Invitae Variant Classification Sherloc (09022015). Collection method: clinical testing. Allele origin: germline.
Comment: This variant occurs in a non-coding region of the MSH6 gene. It does not change the encoded amino acid sequence of the MSH6 protein. This variant is not present in population databases (gnomAD no frequency). This variant has not been reported in the literature in individuals affected with MSH6-related conditions. ClinVar contains an entry for this variant (Variation ID: 801225). Experimental studies and prediction algorithms are not available or were not evaluated, and the functional significance of this variant is currently unknown. In summary, the available evidence is currently insufficient to determine the role of this variant in disease. Therefore, it has been classified as a Variant of Uncertain Significance.

Color Diagnostics, LLC DBA Color Health
Classification: Uncertain significance for Hereditary cancer-predisposing syndrome. Last evaluated: 2025-05-13. Review status: criteria provided, single submitter. Criteria: ACMG Guidelines, 2015. Collection method: clinical testing. Allele origin: germline.
Comment: This variant results in an in-tandem duplication of the last 2 nucleotides of the translation stop codon and the first 3 nucleotides of the 3' untranslated region of the MSH6 gene. To our knowledge, functional studies have not been reported for this variant. This variant has not been reported in individuals affected with hereditary cancer in the literature. This variant has not been identified in the general population by the Genome Aggregation Database (gnomAD). The available evidence is insufficient to determine the role of this variant in disease conclusively. Therefore, this variant is classified as a Variant of Uncertain Significance.

Myriad Genetics, Inc.
Classification: Benign for Lynch syndrome 5. Last evaluated: 2025-01-09. Review status: criteria provided, single submitter. Criteria: Myriad Autosomal Dominant, Autosomal Recessive and X-Linked Classification Criteria (2023). Collection method: clinical testing. Allele origin: unknown.
Comment: This variant is considered benign. This variant occurs in the non-coding 3' untranslated region of the gene, and is not expected to impact protein function.

Quest Diagnostics Nichols Institute San Juan Capistrano
Classification: Uncertain significance. Last evaluated: 2019-04-11. Review status: criteria provided, single submitter. Criteria: Quest Diagnostics criteria. Collection method: clinical testing. Allele origin: germline.